The following is an entry in ClinVar:

NM_001040716.2(PC):c.1-35650G>A

Gene: PC (pyruvate carboxylase; minus strand). Cytogenetic location: 11q13.2.
Variant type: single nucleotide variant.
Coding change: c.1-35650G>A on transcript NM_001040716.2 (MANE Select); 35650 bases into the intron before coding-DNA position 1, G replaced by A.
Molecular consequence: intron variant.
Genome position (GRCh38, 1-based): chr11:66,907,809, C>T on the plus strand (G>A on the coding strand, the complement: PC is on the minus strand). VCF-style: chr11-66907809-C-T. GRCh37 (hg19) VCF-style: chr11-66675280-C-T.
Other names: c.1-35650G>A (NM_000920.4); c.-1+12G>A (NM_022172.3).
Identifiers: ClinVar variation 138582 (VCV000138582.1), dbSNP rs78739472, ClinGen allele CA292681.

ClinVar aggregate classification (germline): Benign (1 of 4 stars; one submission).

Allele frequency attached by ClinVar (database versions not stated): gnomAD 0.00061 and 0.00094; TOPMed 0.00100; 1000 Genomes Project 30x 0.00578; 1000 Genomes Project 0.00659.

Submission:

GeneDx
Classification: Benign. Last evaluated: 2013-04-12. Review status: criteria provided, single submitter. Criteria: GeneDx Variant Classification (06012015). Collection method: clinical testing. Allele origin: germline. Affected: yes.
Comment: This variant is considered likely benign or benign based on one or more of the following criteria: it is a conservative change, it occurs at a poorly conserved position in the protein, it is predicted to be benign by multiple in silico algorithms, and/or has population frequency not consistent with disease.